The following is an entry in ClinVar:

ClinVar aggregate classification (germline): Uncertain significance (1 of 4 stars; one submission).

Allele frequency attached by ClinVar (database versions not stated): gnomAD exomes below 0.00001.
gnomAD v4.1: 1 of 1,614,144 alleles (0.000062%); highest among the groups gnomAD compares: Non-Finnish European, 0.000085%; no homozygotes.

Submission:

Labcorp Genetics (formerly Invitae), Labcorp
Classification: Uncertain significance. Last evaluated: 2022-07-27. Review status: criteria provided, single submitter. Criteria: Invitae Variant Classification Sherloc (09022015). Collection method: clinical testing. Allele origin: germline.
Comment: This sequence change replaces serine, which is neutral and polar, with phenylalanine, which is neutral and non-polar, at codon 2721 of the SZT2 protein (p.Ser2721Phe). This variant is present in population databases (no rsID available, gnomAD 0.0009%). This variant has not been reported in the literature in individuals affected with SZT2-related conditions. Algorithms developed to predict the effect of missense changes on protein structure and function are either unavailable or do not agree on the potential impact of this missense change (SIFT: "Deleterious"; PolyPhen-2: "Benign"; Align-GVGD: "Class C0"). In summary, the available evidence is currently insufficient to determine the role of this variant in disease. Therefore, it has been classified as a Variant of Uncertain Significance.

NM_001365999.1(SZT2):c.8333C>T (p.Ser2778Phe)

Gene: SZT2 (SZT2 subunit of KICSTOR complex; plus strand). Cytogenetic location: 1p34.2.
Variant type: single nucleotide variant.
Coding change: c.8333C>T on transcript NM_001365999.1 (MANE Select); coding-DNA position 8333, C replaced by T.
Protein change: p.Ser2778Phe; replaces serine 2778 with phenylalanine.
Molecular consequence: missense variant.
Genome position (GRCh38, 1-based): chr1:43,443,000, C>T. VCF-style: chr1-43443000-C-T. GRCh37 (hg19) VCF-style: chr1-43908671-C-T.
Other names: c.8162C>T, p.Ser2721Phe (NM_015284.4); short protein forms S2721F, S2778F.
Identifiers: ClinVar variation 2076709 (VCV002076709.1), dbSNP rs1276523236, ClinGen allele CA340038590.